The following is an entry in ClinVar:

ClinVar aggregate classification (germline): Conflicting classifications of pathogenicity. Review status: criteria provided, conflicting classifications (1 of 4 stars). 2 submissions from 2 submitters: Uncertain significance (1); Likely benign (1). Last evaluated 2026-09-04.

Conditions:
Renal cell carcinoma. Identifiers: Orphanet 217071, MedGen C0007134, MeSH D002292, MONDO:0005086, HP:0005584.
Hereditary cancer-predisposing syndrome. Also called: Tumor predisposition; Hereditary neoplastic syndrome; Neoplastic Syndromes, Hereditary; Hereditary Cancer Syndrome. Identifiers: Orphanet 140162, MedGen C0027672, MeSH D009386, MONDO:0015356.

Submissions (2):

Ambry Genetics
Classification: Likely benign for Hereditary cancer-predisposing syndrome. Last evaluated: 2026-09-04. Review status: criteria provided, single submitter. Criteria: Ambry Variant Classification Scheme 2023. Collection method: clinical testing. Allele origin: germline.

Labcorp Genetics (formerly Invitae), Labcorp
Classification: Uncertain significance for Renal cell carcinoma. Last evaluated: 2022-08-29. Review status: criteria provided, single submitter. Criteria: Invitae Variant Classification Sherloc (09022015). Collection method: clinical testing. Allele origin: germline.
Comment: This variant has not been reported in the literature in individuals affected with MET-related conditions. In summary, the available evidence is currently insufficient to determine the role of this variant in disease. Therefore, it has been classified as a Variant of Uncertain Significance. Algorithms developed to predict the effect of missense changes on protein structure and function are either unavailable or do not agree on the potential impact of this missense change (SIFT: "Tolerated"; PolyPhen-2: "Probably Damaging"; Align-GVGD: "Class C0"). This variant is not present in population databases (gnomAD no frequency). This sequence change replaces glutamic acid, which is acidic and polar, with lysine, which is basic and polar, at codon 1100 of the MET protein (p.Glu1100Lys).

NM_000245.4(MET):c.3244G>A (p.Glu1082Lys)

Gene: MET (MET proto-oncogene, receptor tyrosine kinase; plus strand). Cytogenetic location: 7q31.2.
Variant type: single nucleotide variant.
Coding change: c.3244G>A on transcript NM_000245.4 (MANE Select); coding-DNA position 3244, G replaced by A.
Protein change: p.Glu1082Lys; replaces glutamic acid 1082 with lysine.
Molecular consequence: missense variant.
Genome position (GRCh38, 1-based): chr7:116,775,096, G>A. VCF-style: chr7-116775096-G-A. GRCh37 (hg19) VCF-style: chr7-116415150-G-A.
Other names: c.3298G>A, p.Glu1100Lys (NM_001127500.3); c.1954G>A, p.Glu652Lys (NM_001324402.2); short protein forms E1082K, E1100K, E652K.
Identifiers: ClinVar variation 1718051 (VCV001718051.8), dbSNP rs1584957997, ClinGen allele CA368988803.